The following is an entry in ClinVar:

ClinVar aggregate classification (germline): Pathogenic. Review status: criteria provided, multiple submitters, no conflicts (2 of 4 stars). 5 submissions from 5 submitters: Pathogenic (4). 1 of the submissions does not count toward it. Last evaluated 2026-08-01.

Conditions:
X-linked reticulate pigmentary disorder. Also called: Pigmentary disorder, reticulate, with systemic manifestations, X-linked. Identifiers: Orphanet 85453, MedGen C1845050, MONDO:0010523, OMIM 301220.

Submissions (5):

CeGaT Center for Human Genetics Tuebingen
Classification: Pathogenic. Last evaluated: 2026-08-01. Review status: criteria provided, single submitter. Criteria: CeGaT Center For Human Genetics Tuebingen Variant Classification Criteria Version 2. Collection method: clinical testing. Allele origin: germline. Affected: yes. Observed: 2 variant alleles.
Comment: POLA1: PVS1, PS2, PS4, PM2

3billion
Classification: Pathogenic for X-linked reticulate pigmentary disorder. Last evaluated: 2025-05-30. Review status: criteria provided, single submitter. Criteria: ACMG Guidelines, 2015. Collection method: clinical testing. Allele origin: germline. Affected: yes.
Comment: The variant is not observed in the gnomAD v4.1.0 dataset. Predicted Consequence/Location: Intron variant: previously reported to alter splicing and result in a loss of normal protein function through nonsense-mediated decay (NMD) or protein truncation (PMID: 27019227). Functional studies provide moderate evidence of the variant having a damaging effect on the gene or gene product (PMID: 27019227). Intron variant: previously reported to alter splicing and result in a loss of normal protein function through nonsense-mediated decay (NMD) or protein truncation (PMID: 27019227). Therefore, this variant is classified as Pathogenic according to the recommendation of ACMG/AMP guideline.

Labcorp Genetics (formerly Invitae), Labcorp
Classification: Pathogenic. Last evaluated: 2022-10-05. Review status: criteria provided, single submitter. Criteria: Invitae Variant Classification Sherloc (09022015). Collection method: clinical testing. Allele origin: germline.
Comment: This sequence change falls in intron 13 of the POLA1 gene. It does not directly change the encoded amino acid sequence of the POLA1 protein. RNA analysis indicates that this variant induces altered splicing and may result in an absent or disrupted protein product. However, the current clinical and genetic evidence is not sufficient to establish whether loss-of-function variants in POLA1 cause disease. The frequency data for this variant in the population databases is considered unreliable, as metrics indicate insufficient coverage at this position in the gnomAD database. This variant has been observed in individuals with X-linked reticulate pigmentary disorder (PMID: 27019227). It has also been observed to segregate with disease in related individuals. ClinVar contains an entry for this variant (Variation ID: 224980). Studies have shown that this variant alters POLA1 gene expression (PMID: 27019227). Studies have shown that this variant results in activation of a cryptic donor splice site and introduces a premature termination codon (PMID: 27019227). The resulting mRNA is expected to undergo nonsense-mediated decay. For these reasons, this variant has been classified as Pathogenic.

SNPedia
Classification: Pathogenic for X-linked reticulate pigmentary disorder. Review status: criteria provided, single submitter. Criteria: Starokadomskyy et al. (Nat Immunol 2016). Collection method: literature only. Allele origin: germline. Inheritance: X-linked inheritance. Affected: yes.

OMIM
Classification: Pathogenic for PIGMENTARY DISORDER, RETICULATE, WITH SYSTEMIC MANIFESTATIONS, X-LINKED. Last evaluated: 2021-03-25. Review status: no assertion criteria provided. Collection method: literature only. Allele origin: germline. Not counted in ClinVar's aggregate classification.

Literature cited by the submitters: PubMed 27019227 (cited by 3 submitters).

NM_001330360.2(POLA1):c.1393-354A>G

Gene: POLA1 (DNA polymerase alpha 1, catalytic subunit; plus strand). Cytogenetic location: Xp22.11.
Variant type: single nucleotide variant.
Coding change: c.1393-354A>G on transcript NM_001330360.2 (MANE Select); 354 bases into the intron before coding-DNA position 1393, A replaced by G.
Molecular consequence: intron variant.
Genome position (GRCh38, 1-based): chrX:24,726,579, A>G. VCF-style: chrX-24726579-A-G. GRCh37 (hg19) VCF-style: chrX-24744696-A-G.
Other names: IVS13, A-G; c.1375-354A>G (NM_016937.4).
Identifiers: ClinVar variation 224980 (VCV000224980.50), dbSNP rs869312979, ClinGen allele CA357228.